The following is an entry in ClinVar:

NM_005909.5(MAP1B):c.3066GGA[1] (p.Glu1023del)

Gene: MAP1B (microtubule associated protein 1B; plus strand). Cytogenetic location: 5q13.2.
Variant type: Microsatellite.
Coding change: c.3066GGA[1] on transcript NM_005909.5 (MANE Select); one copy of the 3-base unit GGA starting at c.3066; the reference has two copies in a row; one copy, 3 bases deleted.
Protein change: p.Glu1023del; deletes glutamic acid 1023.
Molecular consequence: inframe deletion.
Genome position (GRCh38, 1-based): chr5:72,196,424-72,196,426, GGA deleted; deleting any 3 consecutive bases within chr5:72,196,419-72,196,426 gives the same sequence; the position shown is the placement nearest the transcript's 3' end. VCF-style (leftmost placement, unchanged base first): chr5-72196418-TGAG-T. GRCh37 (hg19) VCF-style: chr5-71492245-TGAG-T.
Other names: c.2688GGA[1], p.Glu897del (NM_001324255.2); short protein forms E1023del, E897del.
Identifiers: ClinVar variation 3358793 (VCV003358793.1).

ClinVar aggregate classification (germline): Likely benign (0 of 4 stars; one submission).

Conditions:
MAP1B-related disorder. Also called: MAP1B-related condition.

Submission:

PreventionGenetics, part of Exact Sciences
Classification: Likely benign for MAP1B-related condition. Last evaluated: 2024-07-03. Review status: no assertion criteria provided. Collection method: clinical testing. Allele origin: germline.
Comment: This variant is classified as likely benign based on ACMG/AMP sequence variant interpretation guidelines (Richards et al. 2015 PMID: 25741868, with internal and published modifications).